The following is an entry in ClinVar:

NM_003024.3(ITSN1):c.1007A>G (p.Glu336Gly)

Gene: ITSN1 (intersectin 1; plus strand). Cytogenetic location: 21q22.11.
Variant type: single nucleotide variant.
Coding change: c.1007A>G on transcript NM_003024.3 (MANE Select); coding-DNA position 1007, A replaced by G.
Protein change: p.Glu336Gly; replaces glutamic acid 336 with glycine.
Molecular consequence: missense variant.
Genome position (GRCh38, 1-based): chr21:33,767,793, A>G. VCF-style: chr21-33767793-A-G. GRCh37 (hg19) VCF-style: chr21-35140097-A-G.
Other names: c.1007A>G, p.Glu336Gly (NM_001001132.2, NM_001331008.2, NM_001331009.2 and 2 more transcripts); c.896A>G, p.Glu299Gly (NM_001331012.2); short protein forms E299G, E336G.
Identifiers: ClinVar variation 3360458 (VCV003360458.2).

ClinVar aggregate classification (germline): Uncertain significance (1 of 4 stars; one submission).

Submission:

GeneDx
Classification: Uncertain significance. Last evaluated: 2025-10-06. Review status: criteria provided, single submitter. Criteria: GeneDx Variant Classification Process June 2021. Collection method: clinical testing. Allele origin: germline.
Comment: Not observed at significant frequency in large population cohorts (gnomAD); In silico analysis supports that this missense variant has a deleterious effect on protein structure/function; Has not been previously published as pathogenic or benign to our knowledge